The following is an entry in ClinVar:

NM_002878.4(RAD51D):c.377A>T (p.His126Leu)

Genes: RAD51L3-RFFL (RAD51L3-RFFL readthrough; minus strand), RAD51D (RAD51 paralog D; minus strand). Cytogenetic location: 17q12.
Variant type: single nucleotide variant.
Coding change: c.377A>T on transcript NM_002878.4 (MANE Select); coding-DNA position 377, A replaced by T.
Protein change: p.His126Leu; replaces histidine 126 with leucine.
Molecular consequence: missense variant. On other transcripts: non-coding transcript variant (1), intron variant (1).
Genome position (GRCh38, 1-based): chr17:35,107,091, T>A on the plus strand (A>T on the coding strand, the complement: RAD51D is on the minus strand). VCF-style: chr17-35107091-T-A. GRCh37 (hg19) VCF-style: chr17-33434110-T-A.
Other names: p.H126L:CAT>CTT; c.437A>T, p.His146Leu (NM_001142571.2); c.145-610A>T (NM_133629.3); short protein forms H126L, H146L.
Identifiers: ClinVar variation 182857 (VCV000182857.21), dbSNP rs144603589, ClinGen allele CA299929.

ClinVar aggregate classification (germline): Conflicting classifications of pathogenicity. Review status: criteria provided, conflicting classifications (1 of 4 stars). 5 submissions from 5 submitters: Uncertain significance (4); Likely benign (1). Last evaluated 2025-11-18.

Conditions:
Hereditary cancer-predisposing syndrome. Also called: Tumor predisposition; Hereditary Cancer Syndrome; Hereditary neoplastic syndrome; Neoplastic Syndromes, Hereditary. Identifiers: Orphanet 140162, MedGen C0027672, MeSH D009386, MONDO:0015356.
Breast-ovarian cancer, familial, susceptibility to, 4. Identifiers: Orphanet 145, MedGen C3280345, MONDO:0013669, OMIM 614291.

Allele frequency attached by ClinVar (database versions not stated): gnomAD exomes below 0.00001; ESP Exome Variant Server 0.00008.

Submissions (5):

Labcorp Genetics (formerly Invitae), Labcorp
Classification: Uncertain significance for Breast-ovarian cancer, familial, susceptibility to, 4. Last evaluated: 2025-11-18. Review status: criteria provided, single submitter. Criteria: Invitae Variant Classification Sherloc (09022015). Collection method: clinical testing. Allele origin: germline.
Comment: This sequence change replaces histidine, which is basic and polar, with leucine, which is neutral and non-polar, at codon 126 of the RAD51D protein (p.His126Leu). This variant is present in population databases (rs144603589, gnomAD 0.0009%). This missense change has been observed in individual(s) with endometrial cancer (PMID: 27443514). ClinVar contains an entry for this variant (Variation ID: 182857). Invitae Evidence Modeling of protein sequence and biophysical properties (such as structural, functional, and spatial information, amino acid conservation, physicochemical variation, residue mobility, and thermodynamic stability) indicates that this missense variant is not expected to disrupt RAD51D protein function with a negative predictive value of 80%. In summary, the available evidence is currently insufficient to determine the role of this variant in disease. Therefore, it has been classified as a Variant of Uncertain Significance.

Color Diagnostics, LLC DBA Color Health
Classification: Likely benign for Hereditary cancer-predisposing syndrome. Last evaluated: 2025-09-02. Review status: criteria provided, single submitter. Criteria: ACMG Guidelines, 2015. Collection method: clinical testing. Allele origin: germline.

Quest Diagnostics Nichols Institute San Juan Capistrano
Classification: Uncertain significance. Last evaluated: 2025-01-28. Review status: criteria provided, single submitter. Criteria: Quest Diagnostics criteria. Collection method: clinical testing. Allele origin: unknown.
Comment: The RAD51D c.377A>T (p.His126Leu) variant has been reported in the published literature in individuals with endometrial cancer (PMID: 27443514 (2016)) and breast cancer (PMID: 33471991 (2021), see also LOVD). This variant was also identified in a reportedly healthy individual (PMID: 33471991 (2021), see also LOVD). The frequency of this variant in the general population (Genome Aggregation Database) is uninformative in the assessment of its pathogenicity. Analysis of this variant using bioinformatics tools for the prediction of the effect of amino acid changes on protein structure and function yielded predictions that this variant is benign. Based on the available information, we are unable to determine the clinical significance of this variant.

Ambry Genetics
Classification: Uncertain significance for Hereditary cancer-predisposing syndrome. Last evaluated: 2024-03-01. Review status: criteria provided, single submitter. Criteria: Ambry Variant Classification Scheme 2023. Collection method: clinical testing. Allele origin: germline.
Comment: The p.H126L variant (also known as c.377A>T), located in coding exon 5 of the RAD51D gene, results from an A to T substitution at nucleotide position 377. The histidine at codon 126 is replaced by leucine, an amino acid with similar properties. This amino acid position is well conserved in available vertebrate species. In addition, the in silico prediction for this alteration is inconclusive. Based on the available evidence, the clinical significance of this alteration remains unclear.

GeneDx
Classification: Uncertain significance. Last evaluated: 2023-10-18. Review status: criteria provided, single submitter. Criteria: GeneDx Variant Classification Process June 2021. Collection method: clinical testing. Allele origin: germline. Affected: yes.
Comment: Not observed at significant frequency in large population cohorts (gnomAD); In silico analysis supports that this missense variant does not alter protein structure/function; Has not been previously published as pathogenic or benign to our knowledge; This variant is associated with the following publications: (PMID: 21111057, 14704354, 19327148)

Literature cited by the submitters: PubMed 27443514 (cited by Labcorp Genetics (formerly Invitae), Labcorp and Quest Diagnostics Nichols Institute San Juan Capistrano); PubMed 33471991 (cited by Quest Diagnostics Nichols Institute San Juan Capistrano).